The following is an entry in ClinVar:

NM_153252.5(BRWD3):c.3495T>G (p.Pro1165=)

Gene: BRWD3 (bromodomain and WD repeat domain containing 3; minus strand). Cytogenetic location: Xq21.1.
Variant type: single nucleotide variant.
Coding change: c.3495T>G on transcript NM_153252.5 (MANE Select); coding-DNA position 3495, T replaced by G.
Protein change: p.Pro1165=; no amino-acid change (proline 1165 retained).
Molecular consequence: synonymous variant.
Genome position (GRCh38, 1-based): chrX:80,691,160, A>C on the plus strand (T>G on the coding strand, the complement: BRWD3 is on the minus strand). VCF-style: chrX-80691160-A-C. GRCh37 (hg19) VCF-style: chrX-79946659-A-C.
Other names: c.3345T>G, p.Pro1115= (NM_001441339.1).
Identifiers: ClinVar variation 4823130 (VCV004823130.4).

ClinVar aggregate classification (germline): Likely benign (1 of 4 stars; one submission).

Submission:

CeGaT Center for Human Genetics Tuebingen
Classification: Likely benign. Last evaluated: 2026-01-01. Review status: criteria provided, single submitter. Criteria: CeGaT Center For Human Genetics Tuebingen Variant Classification Criteria Version 2. Collection method: clinical testing. Allele origin: germline. Affected: yes. Observed: 1 variant allele.
Comment: BRWD3: PM2:Supporting, BP4, BP7